The following is an entry in ClinVar:

NM_000310.4(PPT1):c.798+8G>A

Gene: PPT1 (palmitoyl-protein thioesterase 1; minus strand). Cytogenetic location: 1p34.2.
Variant type: single nucleotide variant.
Coding change: c.798+8G>A on transcript NM_000310.4 (MANE Select); 8 bases into the intron after coding-DNA position 798, G replaced by A.
Molecular consequence: intron variant.
Genome position (GRCh38, 1-based): chr1:40,076,834, C>T on the plus strand (G>A on the coding strand, the complement: PPT1 is on the minus strand). VCF-style: chr1-40076834-C-T. GRCh37 (hg19) VCF-style: chr1-40542506-C-T.
Other names: c.489+8G>A (NM_001142604.2); c.726+1726G>A (NM_001363695.2).
Identifiers: ClinVar variation 206628 (VCV000206628.12), dbSNP rs368106574, ClinGen allele CA316894.
Genomic context (GRCh38, chr1:40,076,834, plus strand): 5'-CATAGCAGCTTCAGGAACTGGGAGCTGAAAAAACACCAACCTCCCAAGATAGACTCCCTG[C>T]CAGTTACCTGTGTGTACAGGGAGGTCTCCTGTAAGGGAATGGTTTCCTTGGCTTGGCCAC-3'

ClinVar aggregate classification (germline): Benign/Likely benign. Review status: criteria provided, multiple submitters, no conflicts (2 of 4 stars). 3 submissions from 3 submitters: Benign (1); Likely benign (2). Last evaluated 2025-12-23.

Conditions:
Neuronal ceroid lipofuscinosis 1 (CLN1). Also called: PPT1-Related Neuronal Ceroid-Lipofuscinosis; CEROID LIPOFUSCINOSIS, NEURONAL, 1, VARIABLE AGE AT ONSET. Identifiers: Orphanet 228329, MedGen C1850451, MONDO:0009744, OMIM 256730.

Allele frequency attached by ClinVar (database versions not stated): gnomAD exomes 0.00006; ExAC 0.00007; ESP Exome Variant Server 0.00015; gnomAD 0.00017 and 0.00018; TOPMed 0.00020.

Submissions (3):

Labcorp Genetics (formerly Invitae), Labcorp
Classification: Likely benign for Neuronal ceroid lipofuscinosis 1. Last evaluated: 2025-12-23. Review status: criteria provided, single submitter. Criteria: Invitae Variant Classification Sherloc (09022015). Collection method: clinical testing. Allele origin: germline.

Blueprint Genetics
Classification: Likely benign. Last evaluated: 2024-01-10. Review status: criteria provided, single submitter. Criteria: ACMG Guidelines, 2015. Collection method: clinical testing. Allele origin: germline.

GeneDx
Classification: Benign. Last evaluated: 2014-09-24. Review status: criteria provided, single submitter. Criteria: GeneDx Variant Classification (06012015). Collection method: clinical testing. Allele origin: germline. Affected: yes.
Comment: This variant is considered likely benign or benign based on one or more of the following criteria: it is a conservative change, it occurs at a poorly conserved position in the protein, it is predicted to be benign by multiple in silico algorithms, and/or has population frequency not consistent with disease.